The following is an entry in ClinVar:

ClinVar aggregate classification (germline): Uncertain significance (1 of 4 stars; one submission).

Conditions:
COG7 congenital disorder of glycosylation (CDG2E). Also called: CONGENITAL DISORDER OF GLYCOSYLATION, TYPE IIe; CDG IIe. Identifiers: Orphanet 79333, MedGen C2931010, MONDO:0012118, OMIM 608779.

Allele frequency attached by ClinVar (database versions not stated): gnomAD 0.00001 and 0.00002; gnomAD exomes 0.00002 and 0.00006; TOPMed 0.00003; ExAC 0.00007.
gnomAD v4.1: 41 of 1,613,692 alleles (0.0025%); highest among the groups gnomAD compares: East Asian, 0.0089%; no homozygotes.

Submission:

Labcorp Genetics (formerly Invitae), Labcorp
Classification: Uncertain significance for COG7 congenital disorder of glycosylation. Last evaluated: 2024-09-03. Review status: criteria provided, single submitter. Criteria: Invitae Variant Classification Sherloc (09022015). Collection method: clinical testing. Allele origin: germline.
Comment: This sequence change replaces arginine, which is basic and polar, with glutamine, which is neutral and polar, at codon 216 of the COG7 protein (p.Arg216Gln). This variant is present in population databases (rs766859040, gnomAD 0.03%). This variant has not been reported in the literature in individuals affected with COG7-related conditions. ClinVar contains an entry for this variant (Variation ID: 1438436). Invitae Evidence Modeling of protein sequence and biophysical properties (such as structural, functional, and spatial information, amino acid conservation, physicochemical variation, residue mobility, and thermodynamic stability) indicates that this missense variant is expected to disrupt COG7 protein function with a positive predictive value of 80%. In summary, the available evidence is currently insufficient to determine the role of this variant in disease. Therefore, it has been classified as a Variant of Uncertain Significance.

NM_153603.4(COG7):c.647G>A (p.Arg216Gln)

Gene: COG7 (component of oligomeric golgi complex 7; minus strand). Cytogenetic location: 16p12.2.
Variant type: single nucleotide variant.
Coding change: c.647G>A on transcript NM_153603.4 (MANE Select); coding-DNA position 647, G replaced by A.
Protein change: p.Arg216Gln; replaces arginine 216 with glutamine.
Molecular consequence: missense variant.
Genome position (GRCh38, 1-based): chr16:23,434,676, C>T on the plus strand (G>A on the coding strand, the complement: COG7 is on the minus strand). VCF-style: chr16-23434676-C-T. GRCh37 (hg19) VCF-style: chr16-23445997-C-T.
Other names: short protein forms R216Q.
Identifiers: ClinVar variation 1438436 (VCV001438436.4), dbSNP rs766859040, ClinGen allele CA7961241.
Genomic context (GRCh38, chr16:23,434,676, plus strand): 5'-CATCGCGCACAGCTTCTTACCTTGTGACACTTGTAGTAGTAGGCCAGGAGCTGGGGCATC[C>T]GGTCAATTTCAGTAAACACCTTCACAAACACTTTGGACTGATCTAAAGAACATACAATGT-3'
Protein context (NP_705831.1, residues 206-226): VFVKVFTEID[Arg216Gln]MPQLLAYYYK